The following is an entry in ClinVar:

NM_001379029.1(CERT1):c.-162_-152del

Genes: POLK (DNA polymerase kappa; plus strand), CERT1 (ceramide transporter 1; minus strand). Cytogenetic location: 5q13.3.
Variant type: Deletion.
Coding change: c.-162_-152del on transcript NM_001379029.1 (MANE Select); 162 bases upstream of the start codon through 152 bases upstream of the start codon, 11 bases deleted (CGGCGCGGCGG).
Molecular consequence: 5 prime UTR variant. On other transcripts: frameshift variant (1).
Genome position (GRCh38, 1-based): chr5:75,511,359-75,511,369, CCGCCGCGCCG deleted on the plus strand (CGGCGCGGCGG on the coding strand, the reverse complement: CERT1 is on the minus strand); deleting any 11 consecutive bases within chr5:75,511,359-75,511,379 gives the same sequence; the c. name uses the placement nearest the transcript's 3' end. VCF-style (leftmost placement, unchanged base first): chr5-75511358-CCCGCCGCGCCG-C. GRCh37 (hg19) VCF-style: chr5-74807183-CCCGCCGCGCCG-C.
Other names: c.223_233del, p.Arg75fs (NM_001130105.1); c.-162_-152del (NM_001379002.1, NM_001379003.1, NM_001379004.1 and 2 more transcripts); short protein forms R75fs.
Identifiers: ClinVar variation 689370 (VCV000689370.25), dbSNP rs1016443351, ClinGen allele CA120940721.

ClinVar aggregate classification (germline): Uncertain significance. Review status: criteria provided, multiple submitters, no conflicts (2 of 4 stars). 2 submissions from 2 submitters: Uncertain significance (2). Last evaluated 2023-10-01.

Conditions:
Microcephaly. Also called: Microcephaly (disease). Identifiers: MedGen C4551563, MONDO:0001149, HP:0000252.
Spastic paraparesis. Identifiers: MedGen C0037771, HP:0002313.
Neurodevelopmental abnormality. Identifiers: MedGen C4022737, HP:0012759.

Submissions (2):

CeGaT Center for Human Genetics Tuebingen
Classification: Uncertain significance. Last evaluated: 2023-10-01. Review status: criteria provided, single submitter. Criteria: CeGaT Center For Human Genetics Tuebingen Variant Classification Criteria Version 2. Collection method: clinical testing. Allele origin: germline. Affected: yes. Observed: 1 variant allele.
Comment: CERT1: PM2

Kariminejad - Najmabadi Pathology & Genetics Center
Classification: Uncertain significance for Neurodevelopmental abnormality; Microcephaly; Spastic paraparesis. Last evaluated: 2018-08-06. Review status: criteria provided, single submitter. Criteria: ACMG Guidelines, 2015. Collection method: clinical testing. Allele origin: germline. Affected: yes.